The following is an entry in ClinVar:

NM_007294.4(BRCA1):c.5476C>A (p.Gln1826Lys)

Gene: BRCA1 (BRCA1 DNA repair associated; minus strand). Cytogenetic location: 17q21.31.
Variant type: single nucleotide variant.
Coding change: c.5476C>A on transcript NM_007294.4 (MANE Select); coding-DNA position 5476, C replaced by A.
Protein change: p.Gln1826Lys; replaces glutamine 1826 with lysine.
Molecular consequence: missense variant. On other transcripts: non-coding transcript variant (1).
Genome position (GRCh38, 1-based): chr17:43,045,794, G>T on the plus strand (C>A on the coding strand, the complement: BRCA1 is on the minus strand). VCF-style: chr17-43045794-G-T. GRCh37 (hg19) VCF-style: chr17-41197811-G-T.
Other names: c.1240C>A, p.Gln414Lys (NM_001408514.1); c.5335C>A, p.Gln1779Lys (NM_007297.4, NM_001407725.1, NM_001407726.1 and 12 more transcripts); c.2164C>A, p.Gln722Lys (NM_007298.4, NM_007304.2, NM_001407979.1 and 11 more transcripts); c.2090C>A, p.Ala697Glu (NM_007299.4, NM_001408472.1); c.5539C>A, p.Gln1847Lys (NM_007300.4, NM_001407583.1, NM_001407585.1 and 1 more transcripts); c.5263C>A, p.Gln1755Lys (NM_001407571.1, NM_001407894.1, NM_001407895.1 and 12 more transcripts); c.5542C>A, p.Gln1848Lys (NM_001407581.1, NM_001407582.1); c.5536C>A, p.Gln1846Lys (NM_001407590.1, NM_001407591.1); and 83 more; short protein forms Q1826K, Q722K, Q1779K, A697E, Q1847K, A1758E, A1760E, Q1529K.
Identifiers: ClinVar variation 143005 (VCV000143005.16), dbSNP rs587782887, ClinGen allele CA003639.

ClinVar aggregate classification (germline): Conflicting classifications of pathogenicity. Review status: criteria provided, conflicting classifications (1 of 4 stars). 3 submissions from 3 submitters: Uncertain significance (2); Likely benign (1). Last evaluated 2024-05-02.

Conditions:
Hereditary cancer-predisposing syndrome. Also called: Tumor predisposition; Hereditary neoplastic syndrome; Hereditary Cancer Syndrome; Neoplastic Syndromes, Hereditary. Identifiers: Orphanet 140162, MedGen C0027672, MeSH D009386, MONDO:0015356.
Hereditary breast ovarian cancer syndrome. Also called: Hereditary breast and/or ovarian cancer syndrome; Breast and ovarian cancer; Hereditary breast and ovarian cancer syndrome; Hereditary breast and ovarian cancer; Hereditary breast and ovarian cancer syndrome (HBOC); BRCA1- and BRCA2-Associated Hereditary Breast and Ovarian Cancer. Identifiers: Orphanet 145, MedGen C0677776, MeSH D061325, MONDO:0003582. Disease mechanism: loss of function.

Submissions (4):

Labcorp Genetics (formerly Invitae), Labcorp
Classification: Uncertain significance for Hereditary breast ovarian cancer syndrome. Last evaluated: 2024-05-02. Review status: criteria provided, single submitter. Criteria: Invitae Variant Classification Sherloc (09022015). Collection method: clinical testing. Allele origin: germline.
Comment: This sequence change replaces glutamine, which is neutral and polar, with lysine, which is basic and polar, at codon 1826 of the BRCA1 protein (p.Gln1826Lys). This variant is not present in population databases (gnomAD no frequency). This variant has not been reported in the literature in individuals affected with BRCA1-related conditions. ClinVar contains an entry for this variant (Variation ID: 143005). Advanced modeling performed at Invitae incorporating data from internal and/or published experimental studies (PMID: 30209399) indicates that this missense variant is not expected to disrupt BRCA1 function with a negative predictive value of 95%. In summary, the available evidence is currently insufficient to determine the role of this variant in disease. Therefore, it has been classified as a Variant of Uncertain Significance.

Ambry Genetics
Classification: Likely benign for Hereditary cancer-predisposing syndrome. Last evaluated: 2021-08-05. Review status: criteria provided, single submitter. Criteria: Ambry Variant Classification Scheme 2023. Collection method: clinical testing. Allele origin: germline.

Color Diagnostics, LLC DBA Color Health
Classification: Uncertain significance for Hereditary cancer-predisposing syndrome. Last evaluated: 2019-01-04. Review status: criteria provided, single submitter. Criteria: ACMG Guidelines, 2015. Collection method: clinical testing. Allele origin: germline.

Brotman Baty Institute, University of Washington
No classification provided (evidence only). Condition: Breast-ovarian cancer, familial 1. Review status: no classification provided. Collection method: in vitro. Allele origin: not applicable. Functional consequence: functionally_normal. Not counted in ClinVar's aggregate classification.
ClinVar note: "not provided" was previously submitted as the classification for the variant. However, the classification appeared to be based only on an observation of functional data so it was converted to no classification on 2025-07-30.

Literature cited by the submitters: PubMed 30209399 (cited by Labcorp Genetics (formerly Invitae), Labcorp and Ambry Genetics).